The following is an entry in ClinVar:

ClinVar aggregate classification (germline): Likely pathogenic (1 of 4 stars; one submission).

Conditions:
COG7 congenital disorder of glycosylation (CDG2E). Also called: CDG IIe; CONGENITAL DISORDER OF GLYCOSYLATION, TYPE IIe. Identifiers: Orphanet 79333, MedGen C2931010, MONDO:0012118, OMIM 608779.

Submission:

Labcorp Genetics (formerly Invitae), Labcorp
Classification: Likely pathogenic for COG7 congenital disorder of glycosylation. Last evaluated: 2024-04-22. Review status: criteria provided, single submitter. Criteria: Invitae Variant Classification Sherloc (09022015). Collection method: clinical testing. Allele origin: germline.
Comment: This sequence change affects an acceptor splice site in intron 10 of the COG7 gene. It is expected to disrupt RNA splicing. Variants that disrupt the donor or acceptor splice site typically lead to a loss of protein function (PMID: 16199547), and loss-of-function variants in COG7 are known to be pathogenic (PMID: 21811164). This variant is not present in population databases (gnomAD no frequency). This variant has not been reported in the literature in individuals affected with COG7-related conditions. ClinVar contains an entry for this variant (Variation ID: 2020320). Algorithms developed to predict the effect of sequence changes on RNA splicing suggest that this variant may disrupt the consensus splice site. In summary, the currently available evidence indicates that the variant is pathogenic, but additional data are needed to prove that conclusively. Therefore, this variant has been classified as Likely Pathogenic.

Literature cited by the submitters: PubMed 16199547; PubMed 21811164.

NM_153603.4(COG7):c.1410-2A>T

Gene: COG7 (component of oligomeric golgi complex 7; minus strand). Cytogenetic location: 16p12.2.
Variant type: single nucleotide variant.
Coding change: c.1410-2A>T on transcript NM_153603.4 (MANE Select); the canonical splice acceptor site of the intron before coding-DNA position 1410, A replaced by T.
Molecular consequence: splice acceptor variant.
Genome position (GRCh38, 1-based): chr16:23,410,362, T>A on the plus strand (A>T on the coding strand, the complement: COG7 is on the minus strand). VCF-style: chr16-23410362-T-A. GRCh37 (hg19) VCF-style: chr16-23421683-T-A.
Identifiers: ClinVar variation 2020320 (VCV002020320.4), dbSNP rs2506584752, ClinGen allele CA395119137.
Genomic context (GRCh38, chr16:23,410,362, plus strand): 5'-CTAGCTGCTGCTCGAAGTCCCCACAATGCCGCAAAAGCTCTCCACAGGTGGCTATTATCC[T>A]AAACAAAACAAAAAGCACTTCAAGTTCAAGTATCTGGAATGCCAGCCTTTACAGGACAAA-3'